The following is an entry in ClinVar:

ClinVar aggregate classification (germline): Likely benign. Review status: criteria provided, multiple submitters, no conflicts (2 of 4 stars). 2 submissions from 2 submitters: Likely benign (2). Last evaluated 2024-04-16.

Conditions:
Hereditary breast ovarian cancer syndrome. Also called: Hereditary breast and ovarian cancer syndrome (HBOC); Hereditary breast and ovarian cancer syndrome; BRCA1- and BRCA2-Associated Hereditary Breast and Ovarian Cancer; Hereditary breast and/or ovarian cancer syndrome; Hereditary breast and ovarian cancer; Breast and ovarian cancer. Identifiers: Orphanet 145, MedGen C0677776, MeSH D061325, MONDO:0003582. Disease mechanism: loss of function.
BRCA1-related cancer predisposition. Identifiers: MedGen CN377757, MONDO:0700268.

Submissions (2):

All of Us Research Program, National Institutes of Health
Classification: Likely benign for BRCA1-related cancer predisposition. Last evaluated: 2024-04-16. Review status: criteria provided, single submitter. Criteria: ACMG Guidelines, 2015. Collection method: clinical testing. Allele origin: germline. Inheritance: Autosomal dominant inheritance. Observed: 1 variant allele, 1 heterozygote.
Comment: This study involves interpretation of variants in research participants for the purpose of population health screening. Participant phenotype was not available at the time of variant classification. Additional details can be found in publication PMID: 35346344, PMCID: PMC8962531

Labcorp Genetics (formerly Invitae), Labcorp
Classification: Likely benign for Hereditary breast ovarian cancer syndrome. Last evaluated: 2023-12-08. Review status: criteria provided, single submitter. Criteria: Invitae Variant Classification Sherloc (09022015). Collection method: clinical testing. Allele origin: germline.

NM_007294.4(BRCA1):c.3246T>C (p.Ala1082=)

Genes: BRCA1 (BRCA1 DNA repair associated; minus strand), LOC126862571 (BRD4-independent group 4 enhancer GRCh37_chr17:41243136-41244335; plus strand). Cytogenetic location: 17q21.31.
Variant type: single nucleotide variant.
Coding change: c.3246T>C on transcript NM_007294.4 (MANE Select); coding-DNA position 3246, T replaced by C.
Protein change: p.Ala1082=; no amino-acid change (alanine 1082 retained).
Molecular consequence: synonymous variant. On other transcripts: intron variant (137).
Genome position (GRCh38, 1-based): chr17:43,092,285, A>G on the plus strand (T>C on the coding strand, the complement: BRCA1 is on the minus strand). VCF-style: chr17-43092285-A-G. GRCh37 (hg19) VCF-style: chr17-41244302-A-G.
Other names: c.3246T>C, p.Ala1082= (NM_001407652.1, NM_001407684.1, NM_001407581.1 and 30 more transcripts); c.3168T>C, p.Ala1056= (NM_001407653.1, NM_001407654.1, NM_001407655.1 and 4 more transcripts); c.3165T>C, p.Ala1055= (NM_001407659.1, NM_001407660.1, NM_001407661.1 and 1 more transcripts); c.3123T>C, p.Ala1041= (NM_001407664.1, NM_001407665.1, NM_001407666.1 and 19 more transcripts); c.3120T>C, p.Ala1040= (NM_001407685.1, NM_001407686.1, NM_001407687.1 and 11 more transcripts); c.3033T>C, p.Ala1011= (NM_001407571.1, NM_001407853.1, NM_001407894.1 and 9 more transcripts); c.3243T>C, p.Ala1081= (NM_001407587.1, NM_001407590.1, NM_001407591.1 and 22 more transcripts); c.3237T>C, p.Ala1079= (NM_001407646.1, NM_001407647.1); and 41 more.
Identifiers: ClinVar variation 1084557 (VCV001084557.11), dbSNP rs1241537585, ClinGen allele CA500232728.
Genomic context (GRCh38, chr17:43,092,285, plus strand): 5'-ATTACTTCCAGGAAGACTTTGTTTATAGACCTCAGGTTGCAAAACCCCTAATCTAAGCAT[A>G]GCATTCAATTTTGGCCCTCTGTTTCTACCTAGTTCTGCTTGAATGTTTTCATCACTGGAA-3'
Protein context (NP_009225.1, residues 1072-1092): LGRNRGPKLN[Ala1082=]MLRLGVLQPE